The following is an entry in ClinVar:

NM_000492.4(CFTR):c.2812G>T (p.Val938Leu)

Gene: CFTR (CF transmembrane conductance regulator; plus strand). Cytogenetic location: 7q31.2.
Variant type: single nucleotide variant.
Coding change: c.2812G>T on transcript NM_000492.4 (MANE Select); coding-DNA position 2812, G replaced by T.
Protein change: p.Val938Leu; replaces valine 938 with leucine.
Molecular consequence: missense variant.
Genome position (GRCh38, 1-based): chr7:117,603,686, G>T. VCF-style: chr7-117603686-G-T. GRCh37 (hg19) VCF-style: chr7-117243740-G-T.
Other names: short protein forms V938L.
Identifiers: ClinVar variation 928496 (VCV000928496.16), dbSNP rs749784731, ClinGen allele CA4451292.

ClinVar aggregate classification (germline): Uncertain significance. Review status: criteria provided, multiple submitters, no conflicts (2 of 4 stars). 6 submissions from 6 submitters: Uncertain significance (5). 1 of the submissions does not count toward it. Last evaluated 2025-10-20.

Conditions:
Cystic fibrosis (CF). Also called: MUCOVISCIDOSIS. Identifiers: Orphanet 586, MedGen C0010674, MONDO:0009061, OMIM 219700. Disease mechanism: loss of function.
Congenital bilateral aplasia of vas deferens from CFTR mutation (CBAVD). Identifiers: Orphanet 48, MedGen C0403814, MONDO:0010178, OMIM 277180. Disease mechanism: loss of function.
Bronchiectasis with or without elevated sweat chloride 1 (BESC1). Also called: Cystic Fibrosis-Like Syndrome. Identifiers: Orphanet 60033, MedGen C2749757, MONDO:0008887, OMIM 211400.
Hereditary pancreatitis (PCTT). Also called: Hereditary chronic pancreatitis; PRSS1-Related Hereditary Pancreatitis. Identifiers: Orphanet 676, MedGen C0238339, MONDO:0008185, OMIM 167800.
CFTR-related disorder (CFTR-RD). Also called: CFTR-related disorders; CFTR-related condition. Identifiers: MedGen C5924204, MONDO:7770004.

Allele frequency attached by ClinVar (database versions not stated): TOPMed 0.00002.
gnomAD v4.1: 2 of 1,614,054 alleles (0.00012%); highest among the groups gnomAD compares: East Asian, 0.0045%; no homozygotes.

Submissions (6):

Ambry Genetics
Classification: Uncertain significance for Cystic fibrosis. Last evaluated: 2025-10-20. Review status: criteria provided, single submitter. Criteria: Ambry Variant Classification Scheme 2023. Collection method: clinical testing. Allele origin: germline.
Comment: The p.V938L variant (also known as c.2812G>T), located in coding exon 17 of the CFTR gene, results from a G to T substitution at nucleotide position 2812. The valine at codon 938 is replaced by leucine, an amino acid with highly similar properties. This variant has been identified in the homozygous state and/or in conjunction with other CFTR variant(s) in individuals with features consistent with cystic fibrosis or CFTR-related disorders (Luo S et al. Gene, 2021 Jan;765:145045; Xu C et al. Pediatr Pulmonol, 2023 Oct;58:2865-2870; Wang M et al. J Assist Reprod Genet, 2024 Feb;41:505-513; Ambry internal data). This amino acid position is highly conserved in available vertebrate species. In addition, the in silico prediction for this alteration is inconclusive. Based on the available evidence, the clinical significance of this variant remains unclear.

Labcorp Genetics (formerly Invitae), Labcorp
Classification: Uncertain significance for Cystic fibrosis. Last evaluated: 2024-03-22. Review status: criteria provided, single submitter. Criteria: Invitae Variant Classification Sherloc (09022015). Collection method: clinical testing. Allele origin: germline.
Comment: This sequence change replaces valine, which is neutral and non-polar, with leucine, which is neutral and non-polar, at codon 938 of the CFTR protein (p.Val938Leu). This variant is present in population databases (rs749784731, gnomAD 0.03%). This missense change has been observed in individual(s) with congenital absence of vas deferens (PMID: 32777524). ClinVar contains an entry for this variant (Variation ID: 928496). Advanced modeling of protein sequence and biophysical properties (such as structural, functional, and spatial information, amino acid conservation, physicochemical variation, residue mobility, and thermodynamic stability) has been performed at Invitae for this missense variant, however the output from this modeling did not meet the statistical confidence thresholds required to predict the impact of this variant on CFTR protein function. This variant disrupts the p.Val938 amino acid residue in CFTR. Other variant(s) that disrupt this residue have been determined to be pathogenic (PMID: 9272157, 17329263, 28603918). This suggests that this residue is clinically significant, and that variants that disrupt this residue are likely to be disease-causing. In summary, the available evidence is currently insufficient to determine the role of this variant in disease. Therefore, it has been classified as a Variant of Uncertain Significance.

Genome-Nilou Lab
Classification: Uncertain significance for Cystic fibrosis. Last evaluated: 2021-09-05. Review status: criteria provided, single submitter. Criteria: ACMG Guidelines, 2015. Collection method: clinical testing. Allele origin: germline. Affected: no.

Women's Health and Genetics/Laboratory Corporation of America, LabCorp
Classification: Uncertain significance. Last evaluated: 2019-03-07. Review status: criteria provided, single submitter. Criteria: LabCorp Variant Classification Summary - May 2015. Collection method: clinical testing. Allele origin: germline.
Comment: Variant summary: CFTR c.2812G>T (p.Val938Leu) results in a conservative amino acid change located in the transmembrane domain of the encoded protein sequence. Three of five in-silico tools predict a damaging effect of the variant on protein function. The variant allele was found at a frequency of 2.4e-05 in 251402 control chromosomes, exclusively observed within the East Asian subpopulation (gnomAD). The available data on variant occurrences in the general population are insufficient to allow any conclusion about variant significance. To our knowledge, no occurrence of c.2812G>T in individuals affected with Cystic Fibrosis and no experimental evidence demonstrating its impact on protein function have been reported. No clinical diagnostic laboratories have submitted clinical-significance assessments for this variant to ClinVar after 2014. Based on the evidence outlined above, the variant was classified as uncertain significance.

Juno Genomics, Hangzhou Juno Genomics, Inc
Classification: Uncertain significance for Bronchiectasis with or without elevated sweat chloride 1; Hereditary pancreatitis; Congenital bilateral aplasia of vas deferens from CFTR mutation; Cystic fibrosis. Review status: criteria provided, single submitter. Criteria: ACMG Guidelines, 2015. Collection method: clinical testing. Allele origin: germline. Affected: yes.
Comment: Absent from controls (or at extremely low frequency if recessive) in Genome Aggregation Database.;For recessive disorders, detected in trans with a pathogenic variant.;Patient's phenotype or family history is highly specific for a disease with a single genetic etiology.

Natera, Inc.
Classification: Uncertain significance for CFTR-related disorders. Last evaluated: 2019-07-08. Review status: no assertion criteria provided. Collection method: clinical testing. Allele origin: germline. Not counted in ClinVar's aggregate classification.

Literature cited by the submitters: PubMed 32777524 (cited by Ambry Genetics and Labcorp Genetics (formerly Invitae), Labcorp); PubMed 37477516 (cited by Ambry Genetics); PubMed 38114870 (cited by Ambry Genetics); PubMed 9272157 (cited by Ambry Genetics and Labcorp Genetics (formerly Invitae), Labcorp); PubMed 17329263 (cited by Labcorp Genetics (formerly Invitae), Labcorp); PubMed 28603918 (cited by Labcorp Genetics (formerly Invitae), Labcorp).